The following is an entry in ClinVar:

NM_080826.2(ISM1):c.*4G>C

Genes: ISM1 (isthmin 1; plus strand), TASP1 (taspase 1; minus strand). Cytogenetic location: 20p12.1.
Variant type: single nucleotide variant.
Coding change: c.*4G>C on transcript NM_080826.2 (MANE Select); 4 bases downstream of the stop codon, G replaced by C.
Molecular consequence: 3 prime UTR variant.
Genome position (GRCh38, 1-based): chr20:13,299,463, G>C. VCF-style: chr20-13299463-G-C. GRCh37 (hg19) VCF-style: chr20-13280110-G-C.
Identifiers: ClinVar variation 3044432 (VCV003044432.2), dbSNP rs373175545, ClinGen allele CA312098459.
Genomic context (GRCh38, chr20:13,299,463, plus strand): 5'-GAGAGCCCCTCGGACGAGGACTACATCAAGCAGTTCCAAGAGGCCAGGGAATATTAAAGA[G>C]ACTGGGATGAGGTGGAGGACGCTGCCTCTGGTTCTGGAGCACACACGTGCTGCACTGACG-3'

ClinVar aggregate classification (germline): Likely benign (0 of 4 stars; one submission).

Conditions:
ISM1-related disorder. Also called: ISM1-related condition.

Allele frequency attached by ClinVar (database versions not stated): gnomAD 0.00003; TOPMed 0.00003; ESP Exome Variant Server 0.00008.
gnomAD v4.1: 10 of 1,588,824 alleles (0.00063%); highest among the groups gnomAD compares: Admixed American, 0.0034%; no homozygotes.

Submission:

PreventionGenetics, part of Exact Sciences
Classification: Likely benign for ISM1-related condition. Last evaluated: 2019-05-30. Review status: no assertion criteria provided. Collection method: clinical testing. Allele origin: germline.
Comment: This variant is classified as likely benign based on ACMG/AMP sequence variant interpretation guidelines (Richards et al. 2015 PMID: 25741868, with internal and published modifications).